The following is an entry in ClinVar:

ClinVar aggregate classification (germline): Uncertain significance (1 of 4 stars; one submission).

Conditions:
Bohring-Opitz syndrome. Also called: C-LIKE SYNDROME; BOHRING SYNDROME; OPITZ TRIGONOCEPHALY-LIKE SYNDROME; ASXL1-Related Bohring-Opitz Syndrome. Identifiers: Orphanet 97297, MedGen C0796232, MONDO:0011510, OMIM 605039.

Submission:

MGZ Medical Genetics Center
Classification: Uncertain significance for Bohring-Opitz syndrome. Last evaluated: 2022-04-19. Review status: criteria provided, single submitter. Criteria: ACMG Guidelines, 2015. Collection method: clinical testing. Allele origin: germline. Affected: yes. Observed: 1 variant allele.
Comment: ACMG criteria applied: PM2_SUP

NM_015338.6(ASXL1):c.3565G>A (p.Ala1189Thr)

Gene: ASXL1 (ASXL transcriptional regulator 1; plus strand). Cytogenetic location: 20q11.21.
Variant type: single nucleotide variant.
Coding change: c.3565G>A on transcript NM_015338.6 (MANE Select); coding-DNA position 3565, G replaced by A.
Protein change: p.Ala1189Thr; replaces alanine 1189 with threonine.
Molecular consequence: missense variant.
Genome position (GRCh38, 1-based): chr20:32,436,277, G>A. VCF-style: chr20-32436277-G-A. GRCh37 (hg19) VCF-style: chr20-31024080-G-A.
Other names: c.3382G>A, p.Ala1128Thr (NM_001363734.1); short protein forms A1128T, A1189T.
Identifiers: ClinVar variation 1709430 (VCV001709430.2), dbSNP rs2145383613, ClinGen allele CA408563328.